The following is an entry in ClinVar:

ClinVar aggregate classification (germline): Uncertain significance (1 of 4 stars; one submission).

Conditions:
Familial hypobetalipoproteinemia 1. Also called: Hypobetalipoproteinemia, normotriglyceridemic; Acanthocytosis with hypobetalipoproteinemia; APOB-Related Familial Hypobetalipoproteinemia. Identifiers: MedGen C4551990, MONDO:0014252, OMIM 615558.
Hypercholesterolemia, autosomal dominant, type B (FHCL2). Also called: Familial hypercholesterolemia 2; Familial Hypercholesterolemia Type B; APOLIPOPROTEIN B-100, FAMILIAL DEFECTIVE; APOLIPOPROTEIN B-100, FAMILIAL LIGAND-DEFECTIVE; HYPERCHOLESTEROLEMIA, FAMILIAL, DUE TO LIGAND-DEFECTIVE APOLIPOPROTEIN B; Hyperlipoproteinemia Type IIb. Identifiers: MedGen C1704417, MONDO:0007751, OMIM 144010.

Allele frequency attached by ClinVar (database versions not stated): gnomAD exomes below 0.00001; TOPMed below 0.00001.
gnomAD v4.1: 1 of 1,609,876 alleles (0.000062%); highest among the groups gnomAD compares: Non-Finnish European, 0.000085%; no homozygotes.

Submission:

Labcorp Genetics (formerly Invitae), Labcorp
Classification: Uncertain significance for Familial hypobetalipoproteinemia 1; Hypercholesterolemia, autosomal dominant, type B. Last evaluated: 2022-07-11. Review status: criteria provided, single submitter. Criteria: Invitae Variant Classification Sherloc (09022015). Collection method: clinical testing. Allele origin: germline.
Comment: In summary, the available evidence is currently insufficient to determine the role of this variant in disease. Therefore, it has been classified as a Variant of Uncertain Significance. Algorithms developed to predict the effect of missense changes on protein structure and function output the following: SIFT: "Tolerated"; PolyPhen-2: "Benign"; Align-GVGD: "Class C0". The serine amino acid residue is found in multiple mammalian species, which suggests that this missense change does not adversely affect protein function. This variant has not been reported in the literature in individuals affected with APOB-related conditions. This variant is not present in population databases (gnomAD no frequency). This sequence change replaces alanine, which is neutral and non-polar, with serine, which is neutral and polar, at codon 2114 of the APOB protein (p.Ala2114Ser).

NM_000384.3(APOB):c.6340G>T (p.Ala2114Ser)

Gene: APOB (apolipoprotein B; minus strand). Cytogenetic location: 2p24.1.
Variant type: single nucleotide variant.
Coding change: c.6340G>T on transcript NM_000384.3 (MANE Select); coding-DNA position 6340, G replaced by T.
Protein change: p.Ala2114Ser; replaces alanine 2114 with serine.
Molecular consequence: missense variant.
Genome position (GRCh38, 1-based): chr2:21,010,528, C>A on the plus strand (G>T on the coding strand, the complement: APOB is on the minus strand). VCF-style: chr2-21010528-C-A. GRCh37 (hg19) VCF-style: chr2-21233400-C-A.
Other names: short protein forms A2114S.
Identifiers: ClinVar variation 2073570 (VCV002073570.4), dbSNP rs75643603, ClinGen allele CA346001975.